The following is an entry in ClinVar:

ClinVar aggregate classification (germline): Uncertain significance. Review status: criteria provided, multiple submitters, no conflicts (2 of 4 stars). 2 submissions from 2 submitters: Uncertain significance (2). Last evaluated 2025-10-02.

Allele frequency attached by ClinVar (database versions not stated): gnomAD 0.00001.
gnomAD v4.1: 36 of 1,582,360 alleles (0.0023%); highest among the groups gnomAD compares: Admixed American, 0.0036%; no homozygotes.

Submissions (2):

Labcorp Genetics (formerly Invitae), Labcorp
Classification: Uncertain significance. Last evaluated: 2025-10-02. Review status: criteria provided, single submitter. Criteria: Invitae Variant Classification Sherloc (09022015). Collection method: clinical testing. Allele origin: germline.
Comment: This sequence change replaces glutamic acid, which is acidic and polar, with glutamine, which is neutral and polar, at codon 61 of the MYH14 protein (p.Glu61Gln). This variant is present in population databases (rs767057270, gnomAD 0.007%). This variant has not been reported in the literature in individuals affected with MYH14-related conditions. ClinVar contains an entry for this variant (Variation ID: 2713469). Invitae Evidence Modeling of protein sequence and biophysical properties (such as structural, functional, and spatial information, amino acid conservation, physicochemical variation, residue mobility, and thermodynamic stability) indicates that this missense variant is not expected to disrupt MYH14 protein function with a negative predictive value of 80%. In summary, the available evidence is currently insufficient to determine the role of this variant in disease. Therefore, it has been classified as a Variant of Uncertain Significance.

Mayo Clinic Laboratories, Mayo Clinic
Classification: Uncertain significance. Last evaluated: 2024-04-12. Review status: criteria provided, single submitter. Criteria: ACMG Guidelines, 2015. Collection method: clinical testing. Allele origin: germline. Observed: 1 variant allele.
Comment: BS2

NM_001145809.2(MYH14):c.181G>C (p.Glu61Gln)

Gene: MYH14 (myosin heavy chain 14; plus strand). Cytogenetic location: 19q13.33.
Variant type: single nucleotide variant.
Coding change: c.181G>C on transcript NM_001145809.2 (MANE Select); coding-DNA position 181, G replaced by C.
Protein change: p.Glu61Gln; replaces glutamic acid 61 with glutamine.
Molecular consequence: missense variant.
Genome position (GRCh38, 1-based): chr19:50,210,546, G>C. VCF-style: chr19-50210546-G-C. GRCh37 (hg19) VCF-style: chr19-50713803-G-C.
Other names: p.Glu61Gln; c.181G>C, p.Glu61Gln (NM_001077186.2, NM_024729.4); c.181G>C (NM_024729.3); short protein forms E61Q.
Identifiers: ClinVar variation 2713469 (VCV002713469.4), dbSNP rs767057270, ClinGen allele CA9592204.